The following is an entry in ClinVar:

NM_015166.4(MLC1):c.178-10T>A

Genes: MLC1 (modulator of VRAC current 1; minus strand), LOC125446261 (Sharpr-MPRA regulatory region 9327; plus strand). Cytogenetic location: 22q13.33.
Variant type: single nucleotide variant.
Coding change: c.178-10T>A on transcript NM_015166.4 (MANE Select); 10 bases into the intron before coding-DNA position 178, T replaced by A.
Molecular consequence: intron variant.
Genome position (GRCh38, 1-based): chr22:50,083,183, A>T on the plus strand (T>A on the coding strand, the complement: MLC1 is on the minus strand). VCF-style: chr22-50083183-A-T. GRCh37 (hg19) VCF-style: chr22-50521612-A-T.
Other names: c.178-10T>A (NM_001376474.1, NM_001376475.1, NM_001376476.1 and 9 more transcripts); c.-58-12T>A (NM_001376484.1); c.177+1543T>A (NM_001376480.1).
Identifiers: ClinVar variation 21522 (VCV000021522.15), dbSNP rs80358243, ClinGen allele CA342170.

ClinVar aggregate classification (germline): Pathogenic/Likely pathogenic. Review status: criteria provided, multiple submitters, no conflicts (2 of 4 stars). 6 submissions from 6 submitters: Pathogenic (2); Likely pathogenic (3). 1 of the submissions does not count toward it. Last evaluated 2025-10-21.

Conditions:
Macrocephaly. Also called: large head; Macrocephalus. Identifiers: MedGen C2243051, HP:0000256.
Cerebellar ataxia. Identifiers: Orphanet 102002, MedGen C0007758, MONDO:0000437.
CNS demyelination. Identifiers: MedGen C0338474, HP:0007305.
Megalencephalic leukoencephalopathy with subcortical cysts. Also called: VAN DER KNAAP DISEASE. Identifiers: Orphanet 2478, MedGen C1858854, MONDO:0011391.
Megalencephalic leukoencephalopathy with subcortical cysts 1 (MLC1). Also called: LEUKOENCEPHALOPATHY WITH SWELLING AND CYSTS; VACUOLATING MEGALENCEPHALIC LEUKOENCEPHALOPATHY WITH SUBCORTICAL CYSTS. Identifiers: Orphanet 2478, MedGen C5779875, MONDO:0024555, OMIM 604004.

Allele frequency attached by ClinVar (database versions not stated): gnomAD exomes 0.00001; TOPMed 0.00001.

Submissions (6):

Otogenetics
Classification: Pathogenic for Megalencephalic leukoencephalopathy with subcortical cysts 1. Last evaluated: 2025-10-21. Review status: criteria provided, single submitter. Criteria: ACMG Guidelines, 2015. Collection method: clinical testing. Allele origin: germline.
Comment: PS3: Well-established in vitro and in vivo functional studies supportive of damaging effect on the gene product (PMID: 23851226); PM2: Maximum gnomAD MAF of 0.0018% in European-Non Finnish (NFE) subpopulation (<0.251% threshold); PM3_Strong: Variant reported in homozygous state 2 affected individuals and in trans with two pathogenic variants in two affected with megalencephalic leukoencephalopathy with subcortical cysts (PMID: 23851226, 33084218); PP3: In-silico models predict deleterious effect (MutationTaster = 0.86, SpliceAI = 0.95)

Natera, Inc.
Classification: Likely pathogenic for Megalencephalic leukoencephalopathy with subcortical cysts. Last evaluated: 2024-07-05. Review status: criteria provided, single submitter. Criteria: Natera Variant Classification Schema (03/2026). Collection method: clinical testing. Allele origin: germline.
Comment: The c.178-10T>A variant in MLC1 is an intronic variant located outside the canonical splice sites. This variant is rare in the general population with a frequency below the threshold expected for the associated phenotype(s). This variant has been observed in one or more individuals affected with the associated recessive disease, as either homozygous or compound heterozygous with a second variant (PMID: 23851226, 21487377, 33084218). Functional studies show that this variant may disrupt protein function (PMID: 16652334). Computational prediction algorithms indicate this variant is likely to affect gene or protein function. Given the available evidence, this variant is classified as Likely Pathogenic.

Labcorp Genetics (formerly Invitae), Labcorp
Classification: Pathogenic. Last evaluated: 2023-12-05. Review status: criteria provided, single submitter. Criteria: Invitae Variant Classification Sherloc (09022015). Collection method: clinical testing. Allele origin: germline.
Comment: This sequence change falls in intron 2 of the MLC1 gene. It does not directly change the encoded amino acid sequence of the MLC1 protein. RNA analysis indicates that this variant induces altered splicing and likely results in a shortened protein product. This variant is present in population databases (rs80358243, gnomAD 0.0009%). This variant has been observed in individual(s) with megalencephalic leukoencephalopathy with subcortical cysts (PMID: 16652334, 23851226, 33084218). ClinVar contains an entry for this variant (Variation ID: 21522). Studies have shown that this variant results in skipping of exon 3, but is expected to preserve the integrity of the reading-frame (PMID: 16652334, 23851226). This variant disrupts a region of the MLC1 protein in which other variant(s) (p.Gly73Glu) have been determined to be pathogenic (PMID: 21160490, 27322623; Invitae). This suggests that this is a clinically significant region of the protein, and that variants that disrupt it are likely to be disease-causing. For these reasons, this variant has been classified as Pathogenic.

Myriad Genetics, Inc.
Classification: Likely pathogenic for Megalencephalic leukoencephalopathy with subcortical cysts 1. Last evaluated: 2019-12-19. Review status: criteria provided, single submitter. Criteria: Myriad Women's Health Autosomal Recessive and X-Linked Classification Criteria (2019). Collection method: clinical testing. Allele origin: unknown.
Comment: NM_015166.3(MLC1):c.178-10T>A(aka IVS2-10T>A) is classified as likely pathogenic in the context of megalencephalic leukoencephalopathy with subcortical cysts. Sources cited for classification include the following: PMID 16652334 and 23851226. Classification of NM_015166.3(MLC1):c.178-10T>A(aka IVS2-10T>A) is based on the following criteria: This variant has been observed more frequently in patients with clinical diagnoses and is very rare or not present in genetic databases of healthy individuals. Please note: this variant was assessed in the context of healthy population screening.

Centre for Mendelian Genomics, University Medical Centre Ljubljana
Classification: Likely pathogenic for Ataxia; CNS demyelination; Macrocephaly. Last evaluated: 2017-01-01. Review status: criteria provided, single submitter. Criteria: ACMG Guidelines, 2015. Collection method: clinical testing. Allele origin: unknown. Affected: yes.

GeneReviews
No classification provided. Condition: Megalencephalic leukoencephalopathy with subcortical cysts 1. Review status: no classification provided. Collection method: literature only. Allele origin: germline. Not counted in ClinVar's aggregate classification.

Literature cited by the submitters: PubMed 23851226 (cited by 4 submitters); PubMed 33084218 (cited by 3 submitters); PubMed 21487377 (cited by Natera, Inc.); PubMed 16652334 (cited by 4 submitters); PubMed 21160490 (cited by Labcorp Genetics (formerly Invitae), Labcorp); PubMed 27322623 (cited by Labcorp Genetics (formerly Invitae), Labcorp); NCBI Bookshelf NBK1535 (cited by GeneReviews); PubMed 23079554 (cited by GeneReviews).